The following is an entry in ClinVar:

ClinVar aggregate classification (germline): Likely benign. Review status: criteria provided, multiple submitters, no conflicts (2 of 4 stars). 3 submissions from 3 submitters: Likely benign (3). Last evaluated 2026-01-28.

Allele frequency attached by ClinVar (database versions not stated): TOPMed 0.00004; ExAC 0.00002; gnomAD 0.00003; gnomAD exomes 0.00003 and 0.00004.
gnomAD v4.1: 48 of 1,613,822 alleles (0.003%); highest among the groups gnomAD compares: Non-Finnish European, 0.0036%; no homozygotes.

Submissions (3):

Labcorp Genetics (formerly Invitae), Labcorp
Classification: Likely benign. Last evaluated: 2026-01-28. Review status: criteria provided, single submitter. Criteria: Invitae Variant Classification Sherloc (09022015). Collection method: clinical testing. Allele origin: germline.

Blueprint Genetics
Classification: Likely benign. Last evaluated: 2023-11-08. Review status: criteria provided, single submitter. Criteria: ACMG Guidelines, 2015. Collection method: clinical testing. Allele origin: germline.

Laboratory for Molecular Medicine, Mass General Brigham Personalized Medicine
Classification: Likely benign. Last evaluated: 2017-08-23. Review status: criteria provided, single submitter. Criteria: LMM Criteria. Collection method: clinical testing. Allele origin: germline. Observed: 1 variant allele.
Comment: p.His532His in exon 7 of DFNB31: This variant is not expected to have clinical s ignificance because it does not alter an amino acid residue and is not located w ithin the splice consensus sequence. It has been identified in 2/66678 European chromosomes by the Exome Aggregation Consortium (ExAC; dbSNP rs775240892).

NM_015404.4(WHRN):c.1596C>T (p.His532=)

Gene: WHRN (whirlin; minus strand). Cytogenetic location: 9q32.
Variant type: single nucleotide variant.
Coding change: c.1596C>T on transcript NM_015404.4 (MANE Select); coding-DNA position 1596, C replaced by T.
Protein change: p.His532=; no amino-acid change (histidine 532 retained).
Molecular consequence: synonymous variant.
Genome position (GRCh38, 1-based): chr9:114,423,344, G>A on the plus strand (C>T on the coding strand, the complement: WHRN is on the minus strand). VCF-style: chr9-114423344-G-A. GRCh37 (hg19) VCF-style: chr9-117185624-G-A.
Other names: c.447C>T, p.His149= (NM_001083885.3); c.1596C>T, p.His532= (NM_001173425.2); c.543C>T, p.His181= (NM_001346890.1).
Identifiers: ClinVar variation 506034 (VCV000506034.14), dbSNP rs775240892, ClinGen allele CA5205904.
Genomic context (GRCh38, chr9:114,423,344, plus strand): 5'-TAAGCCAGGGACAAGGCAGAAGAAGCTCACCCTGGCCGAGCTGACGGTGGTGGAGGTGCC[G>A]TGGCTGCCTGTGGATGAACCCGTGTCACTGTAGGAGACCATGGAGTAGGTGTCCCCAGCC-3'
Protein context (NP_056219.3, residues 522-542): YSDTGSSTGS[His532=]GTSTTVSSAR